The following is an entry in ClinVar:

ClinVar aggregate classification (germline): Likely benign (1 of 4 stars; one submission).

gnomAD v4.1: 24 of 1,599,176 alleles (0.0015%); highest among the groups gnomAD compares: Non-Finnish European, 0.002%; no homozygotes.

Submission:

Mayo Clinic Laboratories, Mayo Clinic
Classification: Likely benign. Last evaluated: 2024-11-20. Review status: criteria provided, single submitter. Criteria: ACMG Guidelines, 2015. Collection method: clinical testing. Allele origin: germline. Observed: 1 variant allele.
Comment: BP4, BP7

NM_002609.4(PDGFRB):c.3318G>C (p.Leu1106=)

Gene: PDGFRB (platelet derived growth factor receptor beta; minus strand). Cytogenetic location: 5q32.
Variant type: single nucleotide variant.
Coding change: c.3318G>C on transcript NM_002609.4 (MANE Select); coding-DNA position 3318, G replaced by C.
Protein change: p.Leu1106=; no amino-acid change (leucine 1106 retained).
Molecular consequence: synonymous variant.
Genome position (GRCh38, 1-based): chr5:150,115,766, C>G on the plus strand (G>C on the coding strand, the complement: PDGFRB is on the minus strand). VCF-style: chr5-150115766-C-G. GRCh37 (hg19) VCF-style: chr5-149495329-C-G.
Other names: p.Leu1106=; c.3126G>C, p.Leu1042= (NM_001355016.2); c.2835G>C, p.Leu945= (NM_001355017.2).
Identifiers: ClinVar variation 4684868 (VCV004684868.1).